The following is an entry in ClinVar:

NM_020297.4(ABCC9):c.3371C>A (p.Ala1124Asp)

Gene: ABCC9 (ATP binding cassette subfamily C member 9; minus strand). Cytogenetic location: 12p12.1.
Variant type: single nucleotide variant.
Coding change: c.3371C>A on transcript NM_020297.4 (MANE Select); coding-DNA position 3371, C replaced by A.
Protein change: p.Ala1124Asp; replaces alanine 1124 with aspartic acid.
Molecular consequence: missense variant.
Genome position (GRCh38, 1-based): chr12:21,842,416, G>T on the plus strand (C>A on the coding strand, the complement: ABCC9 is on the minus strand). VCF-style: chr12-21842416-G-T. GRCh37 (hg19) VCF-style: chr12-21995350-G-T.
Other names: c.3371C>A, p.Ala1124Asp (NM_001377273.1, NM_005691.4); c.2504C>A, p.Ala835Asp (NM_001377274.1); short protein forms A1124D, A835D.
Identifiers: ClinVar variation 1706311 (VCV001706311.3), dbSNP rs1162988246, ClinGen allele CA384140954.

ClinVar aggregate classification (germline): Uncertain significance (1 of 4 stars; one submission).

Allele frequency attached by ClinVar (database versions not stated): gnomAD exomes below 0.00001.
gnomAD v4.1: 1 of 1,614,108 alleles (0.000062%); no homozygotes.

Submission:

GeneDx
Classification: Uncertain significance. Last evaluated: 2024-09-18. Review status: criteria provided, single submitter. Criteria: GeneDx Variant Classification Process June 2021. Collection method: clinical testing. Allele origin: germline.
Comment: Not observed at significant frequency in large population cohorts (gnomAD); In silico analysis supports that this missense variant has a deleterious effect on protein structure/function; Has not been previously published as pathogenic or benign to our knowledge